The following continues an entry in ClinVar:

NM_007294.4(BRCA1):c.396C>A (p.Asn132Lys)

Gene: BRCA1. ClinVar aggregate classification (germline): Benign. Benign (1).

Submissions 17 to 21 of 21:

Clinical Genetics DNA and cytogenetics Diagnostics Lab, Erasmus MC, Erasmus Medical Center
Classification: Benign. Review status: no assertion criteria provided. Collection method: clinical testing. Allele origin: germline. Affected: yes. Study: VKGL Data-share Consensus. Not counted in ClinVar's aggregate classification.

Clinical Genetics Laboratory, Department of Pathology, Netherlands Cancer Institute
Classification: Benign. Review status: no assertion criteria provided. Collection method: clinical testing. Allele origin: germline. Affected: yes. Study: VKGL Data-share Consensus. Not counted in ClinVar's aggregate classification.

Department of Pathology and Laboratory Medicine, Sinai Health System
Classification: Likely benign for Malignant tumor of breast. Review status: no assertion criteria provided. Collection method: clinical testing. Allele origin: unknown. Affected: yes. Study: The Canadian Open Genetics Repository (COGR). Not counted in ClinVar's aggregate classification.
Comment: The p.Asn132Lys variant was identified in 1 of 552 proband chromosomes (frequency: 0.002) from Italian families with breast and ovarian cancer; and, functional assay(s) utilizing yeast based systems were discrepant; the variant was suggested to be neutral as it mapped outside the C-terminus domain; however, it was categorized as potentially deleterious, based on a significant induction of recombination in a yeast â€šÃ„Ã¬ HR (homologous recombination) based assay (Caligo 2008). In another functional assay measuring cell proliferation as an indicator of ability of the variant to compliment BRCA1 deficient mouse embryonic stem cells, the p.Asn132Lys variant was assessed to be neutral (Bouwman 2013). A third functional assay using HDR (homology directed recombination) to assess the 2 pathways of DNA repair BRCA1 is involved in: (DSB-double strand DNA breaks, and SSA â€šÃ„Ã¬ single strand annealing) showed that the variant had wildtype function in both assays, making it nonpathogenic (Towler 2013). Further, in a predictive posterior probability model that uses several sources of information to classify VUS, the variant was concluded to be nonpathogenic (Lindor 2012). The variant was identified in dbSNP (ID: rs80357413) â€šÃ„ÃºWith other alleleâ€šÃ„Ã¹, but no frequency information was provided, thus the prevalence of this variant in the general population could not be determined The variant was also identified in dbSNP (ID: rs80357413s) â€šÃ„ÃºWith likely benign alleleâ€šÃ„Ã¹, Clinvitae database (2X as â€šÃ„Ãºbenignâ€šÃ„Ã¹ and 1X as â€šÃ„Ãºlikely benignâ€šÃ„Ã¹), Fanconi Anemia Mutation Database (LOVD), ARUP Laboratories BRCA Mutations Database (as no clinical significance), the ClinVar database (classified as â€šÃ„Ãºbenignâ€šÃ„Ã¹), the BIC database (5X with unknown clinical importance), and UMD (4X with a â€šÃ„Ãºlikely neutralâ€šÃ„Ã¹ classification), Fanconi Anemia Mutation Database (LOVD) as likely neutral). The variant was also identified by the Exome Aggregation Consortium (ExAC) database (released Jan 13, 2015) in 2 of 66738 (European (Non-Finnish)) alleles (frequency: 2.997E-05), although this low number of observations and low frequency is not substantive enough to determine the prevalence of the variant in the general population and its relationship to disease. The p.Asn132residue is not conserved in mammals and computational analyses (PolyPhen-2, SIFT, AlignGVGD, BLOSUM, MutationTaster) provide inconsistent predictions regarding the impact to the protein; however, this information is not very predictive of pathogenicity. In summary, based on the above information, the clinical significance of this variant cannot be determined with certainty at this time although we would lean towards a more benign role for this variant. This variant is classified as likely benign.

Diagnostic Laboratory, Department of Genetics, University Medical Center Groningen
Classification: Likely benign for Breast-ovarian cancer, familial, susceptibility to, 1. Review status: no assertion criteria provided. Collection method: clinical testing. Allele origin: germline. Affected: yes. Study: VKGL Data-share Consensus. Not counted in ClinVar's aggregate classification.

Joint Genome Diagnostic Labs from Nijmegen and Maastricht, Radboudumc and MUMC+
Classification: Benign. Review status: no assertion criteria provided. Collection method: clinical testing. Allele origin: germline. Affected: yes. Study: VKGL Data-share Consensus. Not counted in ClinVar's aggregate classification.

Literature cited by the submitters: PubMed 21990134 (cited by 4 submitters); PubMed 17924331 (cited by 3 submitters); PubMed 16267036 (cited by 3 submitters); PubMed 23867111 (cited by 3 submitters); PubMed 23161852 (cited by 3 submitters); PubMed 18680205 (cited by 3 submitters); PubMed 27272900 (cited by Quest Diagnostics Nichols Institute San Juan Capistrano and Women's Health and Genetics/Laboratory Corporation of America, LabCorp); PubMed 25823446 (cited by Quest Diagnostics Nichols Institute San Juan Capistrano); PubMed 30283497 (cited by Quest Diagnostics Nichols Institute San Juan Capistrano); PubMed 19370767 (cited by Women's Health and Genetics/Laboratory Corporation of America, LabCorp); PubMed 26381082 (cited by Women's Health and Genetics/Laboratory Corporation of America, LabCorp); PubMed 18092194 (cited by Women's Health and Genetics/Laboratory Corporation of America, LabCorp); PubMed 22516946 (cited by Women's Health and Genetics/Laboratory Corporation of America, LabCorp); PubMed 23181653 (cited by Illumina Laboratory Services, Illumina); PubMed 22753008 (cited by Illumina Laboratory Services, Illumina).